The following is an entry in ClinVar:

ClinVar aggregate classification (germline): Likely benign. Review status: criteria provided, multiple submitters, no conflicts (2 of 4 stars). 2 submissions from 2 submitters: Likely benign (2). Last evaluated 2026-01-20.

Conditions:
Intellectual developmental disorder, autosomal dominant 1. Also called: Intellectual disability, autosomal dominant 1; MBD5 Haploinsufficiency. Identifiers: Orphanet 228402, MedGen C1969562, MONDO:0007974, OMIM 156200.

Allele frequency attached by ClinVar (database versions not stated): gnomAD 0.00001; gnomAD exomes 0.00010 and 0.00002; TOPMed 0.00007; ExAC 0.00011.
gnomAD v4.1: 38 of 1,611,608 alleles (0.0024%); highest among the groups gnomAD compares: East Asian, 0.067%; no homozygotes.

Submissions (2):

Labcorp Genetics (formerly Invitae), Labcorp
Classification: Likely benign for Intellectual developmental disorder, autosomal dominant 1. Last evaluated: 2026-01-20. Review status: criteria provided, single submitter. Criteria: Invitae Variant Classification Sherloc (09022015). Collection method: clinical testing. Allele origin: germline.

GeneDx
Classification: Likely benign. Last evaluated: 2018-12-04. Review status: criteria provided, single submitter. Criteria: GeneDx Variant Classification Process June 2021. Collection method: clinical testing. Allele origin: germline. Affected: yes.
Comment: This variant is associated with the following publications: (PMID: 30392784, 28008202)

NM_001378120.1(MBD5):c.2550A>G (p.Ile850Met)

Gene: MBD5 (methyl-CpG binding domain protein 5; plus strand). Cytogenetic location: 2q23.1.
Variant type: single nucleotide variant.
Coding change: c.2550A>G on transcript NM_001378120.1 (MANE Select); coding-DNA position 2550, A replaced by G.
Protein change: p.Ile850Met; replaces isoleucine 850 with methionine.
Molecular consequence: missense variant.
Genome position (GRCh38, 1-based): chr2:148,483,141, A>G. VCF-style: chr2-148483141-A-G. GRCh37 (hg19) VCF-style: chr2-149240710-A-G.
Other names: c.2550A>G, p.Ile850Met (NM_018328.5); short protein forms I850M.
Identifiers: ClinVar variation 698912 (VCV000698912.14), dbSNP rs756787235, ClinGen allele CA1900189.